The following is an entry in ClinVar:

ClinVar aggregate classification (germline): Uncertain significance (1 of 4 stars; one submission).

gnomAD v4.1: 1 of 1,613,802 alleles (0.000062%); highest among the groups gnomAD compares: East Asian, 0.0022%; no homozygotes.

Submission:

Genetic Services Laboratory, University of Chicago
Classification: Uncertain significance. Last evaluated: 2021-10-12. Review status: criteria provided, single submitter. Criteria: ACMG Guidelines, 2015. Collection method: clinical testing. Allele origin: germline. Affected: no.
Comment: DNA sequence analysis of the FANCI gene demonstrated a sequence change, c.1522A>C, in exon 16 that results in an amino acid change, p.Lys508Gln. This sequence change does not appear to have been previously described in individuals with FANCI-related disorders and has also not been described in population databases such as ExAC and gnomAD. The p.Lys508Gln change affects a highly conserved amino acid residue located in a domain of the FANCI protein that is not known to be functional. In-silico pathogenicity prediction tools (SIFT, PolyPhen2, Align GVGD, REVEL) provide contradictory results for the p.Lys508Gln substitution. Due to insufficient evidences and the lack of functional studies, the clinical significance of the p.Lys508Gln change remains unknown at this time.

NM_001113378.2(FANCI):c.1522A>C (p.Lys508Gln)

Gene: FANCI (FA complementation group I; plus strand). Cytogenetic location: 15q26.1.
Variant type: single nucleotide variant.
Coding change: c.1522A>C on transcript NM_001113378.2 (MANE Select); coding-DNA position 1522, A replaced by C.
Protein change: p.Lys508Gln; replaces lysine 508 with glutamine.
Molecular consequence: missense variant.
Genome position (GRCh38, 1-based): chr15:89,281,774, A>C. VCF-style: chr15-89281774-A-C. GRCh37 (hg19) VCF-style: chr15-89825005-A-C.
Other names: c.1243A>C, p.Lys415Gln (NM_001376910.1); c.1522A>C, p.Lys508Gln (NM_001376911.1, NM_018193.3); short protein forms K415Q, K508Q.
Identifiers: ClinVar variation 1338114 (VCV001338114.4), dbSNP rs2151558518, ClinGen allele CA393744581.